The following is an entry in ClinVar:

NM_182914.3(SYNE2):c.16403T>C (p.Leu5468Pro)

Gene: SYNE2 (spectrin repeat containing nuclear envelope protein 2; plus strand). Cytogenetic location: 14q23.2.
Variant type: single nucleotide variant.
Coding change: c.16403T>C on transcript NM_182914.3 (MANE Select); coding-DNA position 16403, T replaced by C.
Protein change: p.Leu5468Pro; replaces leucine 5468 with proline.
Molecular consequence: missense variant.
Genome position (GRCh38, 1-based): chr14:64,163,505, T>C. VCF-style: chr14-64163505-T-C. GRCh37 (hg19) VCF-style: chr14-64630223-T-C.
Other names: c.16403T>C, p.Leu5468Pro (NM_015180.6); short protein forms L5468P.
Identifiers: ClinVar variation 3660138 (VCV003660138.2).

ClinVar aggregate classification (germline): Uncertain significance (1 of 4 stars; one submission).

Conditions:
Emery-Dreifuss muscular dystrophy 5, autosomal dominant (EDMD5). Also called: EMERY-DREIFUSS MUSCULAR DYSTROPHY 5. Identifiers: Orphanet 261, MedGen C2751805, MONDO:0013072, OMIM 612999.

Submission:

Labcorp Genetics (formerly Invitae), Labcorp
Classification: Uncertain significance for Emery-Dreifuss muscular dystrophy 5, autosomal dominant. Last evaluated: 2024-07-22. Review status: criteria provided, single submitter. Criteria: Invitae Variant Classification Sherloc (09022015). Collection method: clinical testing. Allele origin: germline.
Comment: This sequence change replaces leucine, which is neutral and non-polar, with proline, which is neutral and non-polar, at codon 5468 of the SYNE2 protein (p.Leu5468Pro). This variant is not present in population databases (gnomAD no frequency). This variant has not been reported in the literature in individuals affected with SYNE2-related conditions. An algorithm developed to predict the effect of missense changes on protein structure and function (PolyPhen-2) suggests that this variant is likely to be disruptive. In summary, the available evidence is currently insufficient to determine the role of this variant in disease. Therefore, it has been classified as a Variant of Uncertain Significance.